The following is an entry in ClinVar:

ClinVar aggregate classification (germline): Uncertain significance (1 of 4 stars; one submission).

Conditions:
PCNT-related disorder. Also called: PCNT-related condition.

Submission:

PreventionGenetics, part of Exact Sciences
Classification: Uncertain significance for PCNT-related condition. Last evaluated: 2026-05-26. Review status: criteria provided, single submitter. Criteria: ACMG Guidelines, 2015. Collection method: clinical testing. Allele origin: germline.
Comment: The PCNT c.5973G>T variant is predicted to result in the amino acid substitution p.Glu1991Asp. To our knowledge, this variant has not been reported in the literature or in a large population database (gnomAD), indicating this variant is rare. At this time, the clinical significance of this variant is uncertain due to the absence of conclusive functional and genetic evidence.

NM_006031.6(PCNT):c.5973G>T (p.Glu1991Asp)

Gene: PCNT (pericentrin; plus strand). Cytogenetic location: 21q22.3.
Variant type: single nucleotide variant.
Coding change: c.5973G>T on transcript NM_006031.6 (MANE Select); coding-DNA position 5973, G replaced by T.
Protein change: p.Glu1991Asp; replaces glutamic acid 1991 with aspartic acid.
Molecular consequence: missense variant.
Genome position (GRCh38, 1-based): chr21:46,412,046, G>T. VCF-style: chr21-46412046-G-T. GRCh37 (hg19) VCF-style: chr21-47831960-G-T.
Other names: c.5619G>T, p.Glu1873Asp (NM_001315529.2); short protein forms E1873D, E1991D.
Identifiers: ClinVar variation 4990571 (VCV004990571.1).